The following is an entry in ClinVar:

ClinVar aggregate classification (germline): Uncertain significance. Review status: criteria provided, multiple submitters, no conflicts (2 of 4 stars). 3 submissions from 3 submitters: Uncertain significance (3). Last evaluated 2025-06-29.

Conditions:
Arrhythmogenic cardiomyopathy with wooly hair and keratoderma. Also called: Dilated cardiomyopathy with woolly hair and keratoderma; PALMOPLANTAR KERATODERMA WITH LEFT VENTRICULAR CARDIOMYOPATHY AND WOOLLY HAIR; Carvajal syndrome; Arrhythmogenic cardiomyopathy with woolly hair and keratoderma. Identifiers: Orphanet 65282, MedGen C1854063, MONDO:0011581, OMIM 605676.
Arrhythmogenic right ventricular dysplasia 8 (ARVD8). Also called: Arrhythmogenic Right Ventricular Dysplasia/Cardiomyopathy 8; ARRHYTHMOGENIC RIGHT VENTRICULAR DYSPLASIA, FAMILIAL, 8; ARRHYTHMOGENIC RIGHT VENTRICULAR CARDIOMYOPATHY 8. Identifiers: MedGen C1843896, MONDO:0011831, OMIM 607450.
Cardiovascular phenotype. Identifiers: MedGen CN230736.
Cardiomyopathy (CMYO). Also called: Cardiomyopathies. Identifiers: Orphanet 167848, MedGen C0878544, MONDO:0004994, HP:0001638. Inheritance: Various modes of inheritance.

Allele frequency attached by ClinVar (database versions not stated): TOPMed below 0.00001; gnomAD 0.00001; gnomAD exomes 0.00001.
gnomAD v4.1: 4 of 1,614,070 alleles (0.00025%); highest among the groups gnomAD compares: Non-Finnish European, 0.00034%; no homozygotes.

Submissions (3):

Color Diagnostics, LLC DBA Color Health
Classification: Uncertain significance for Cardiomyopathy. Last evaluated: 2025-06-29. Review status: criteria provided, single submitter. Criteria: ACMG Guidelines, 2015. Collection method: clinical testing. Allele origin: germline.
Comment: This missense variant replaces asparagine with lysine at codon 1048 of the DSP protein. Computational prediction suggests that this variant may not impact protein structure and function. To our knowledge, functional studies have not been reported for this variant. This variant has not been reported in individuals affected with DSP-related disorders in the literature. This variant has been identified in 2/282322 chromosomes in the general population by the Genome Aggregation Database (gnomAD). The available evidence is insufficient to determine the role of this variant in disease conclusively. Therefore, this variant is classified as a Variant of Uncertain Significance.

Labcorp Genetics (formerly Invitae), Labcorp
Classification: Uncertain significance for Arrhythmogenic cardiomyopathy with wooly hair and keratoderma; Arrhythmogenic right ventricular dysplasia 8. Last evaluated: 2024-02-18. Review status: criteria provided, single submitter. Criteria: Invitae Variant Classification Sherloc (09022015). Collection method: clinical testing. Allele origin: germline.
Comment: This sequence change replaces asparagine, which is neutral and polar, with lysine, which is basic and polar, at codon 1048 of the DSP protein (p.Asn1048Lys). This variant is present in population databases (no rsID available, gnomAD 0.002%). This variant has not been reported in the literature in individuals affected with DSP-related conditions. An algorithm developed to predict the effect of missense changes on protein structure and function (PolyPhen-2) suggests that this variant is likely to be disruptive. In summary, the available evidence is currently insufficient to determine the role of this variant in disease. Therefore, it has been classified as a Variant of Uncertain Significance.

Ambry Genetics
Classification: Uncertain significance for Cardiovascular phenotype. Last evaluated: 2024-02-12. Review status: criteria provided, single submitter. Criteria: Ambry Variant Classification Scheme 2023. Collection method: clinical testing. Allele origin: germline.
Comment: The p.N1048K variant (also known as c.3144C>G), located in coding exon 23 of the DSP gene, results from a C to G substitution at nucleotide position 3144. The asparagine at codon 1048 is replaced by lysine, an amino acid with similar properties. This amino acid position is conserved. In addition, this alteration is predicted to be tolerated by in silico analysis. Based on the available evidence, the clinical significance of this alteration remains unclear.

NM_004415.4(DSP):c.3144C>G (p.Asn1048Lys)

Gene: DSP (desmoplakin; plus strand). Cytogenetic location: 6p24.3.
Variant type: single nucleotide variant.
Coding change: c.3144C>G on transcript NM_004415.4 (MANE Select); coding-DNA position 3144, C replaced by G.
Protein change: p.Asn1048Lys; replaces asparagine 1048 with lysine.
Molecular consequence: missense variant.
Genome position (GRCh38, 1-based): chr6:7,579,334, C>G. VCF-style: chr6-7579334-C-G. GRCh37 (hg19) VCF-style: chr6-7579567-C-G.
Other names: c.3144C>G, p.Asn1048Lys (NM_001008844.3, NM_001319034.2); short protein forms N1048K.
Identifiers: ClinVar variation 2949278 (VCV002949278.5), dbSNP rs1331787584, ClinGen allele CA362683102.